The following is an entry in ClinVar:

ClinVar aggregate classification (germline): Uncertain significance (1 of 4 stars; one submission).

Conditions:
Nemaline myopathy 2 (NEM2). Also called: Nemaline myopathy 2, autosomal recessive. Identifiers: MedGen C1850569, MONDO:0009725, OMIM 256030.

Submission:

Labcorp Genetics (formerly Invitae), Labcorp
Classification: Uncertain significance for Nemaline myopathy 2. Last evaluated: 2022-03-16. Review status: criteria provided, single submitter. Criteria: Invitae Variant Classification Sherloc (09022015). Collection method: clinical testing. Allele origin: germline.
Comment: This sequence change replaces histidine, which is basic and polar, with glutamine, which is neutral and polar, at codon 7807 of the NEB protein (p.His7807Gln). This variant is present in population databases (no rsID available, gnomAD 0.003%). This variant has not been reported in the literature in individuals affected with NEB-related conditions. Algorithms developed to predict the effect of missense changes on protein structure and function are either unavailable or do not agree on the potential impact of this missense change (SIFT: "Deleterious"; PolyPhen-2: "Not Available"; Align-GVGD: "Class C0"). In summary, the available evidence is currently insufficient to determine the role of this variant in disease. Therefore, it has been classified as a Variant of Uncertain Significance.

NM_001164508.2(NEB):c.23316T>A (p.His7772Gln)

Genes: NEB (nebulin; minus strand), RIF1 (replication timing regulatory factor 1; plus strand). Cytogenetic location: 2q23.3.
Variant type: single nucleotide variant.
Coding change: c.23316T>A on transcript NM_001164508.2 (MANE Select); coding-DNA position 23316, T replaced by A.
Protein change: p.His7772Gln; replaces histidine 7772 with glutamine.
Molecular consequence: missense variant.
Genome position (GRCh38, 1-based): chr2:151,512,763, A>T on the plus strand (T>A on the coding strand, the complement: NEB is on the minus strand). VCF-style: chr2-151512763-A-T. GRCh37 (hg19) VCF-style: chr2-152369277-A-T.
Other names: c.23316T>A, p.His7772Gln (NM_001164507.2); c.23421T>A, p.His7807Gln (NM_001271208.2); c.18213T>A, p.His6071Gln (NM_004543.5); short protein forms H7772Q, H6071Q, H7807Q.
Identifiers: ClinVar variation 2113115 (VCV002113115.1), dbSNP rs1456478353, ClinGen allele CA348749825.